The following is an entry in ClinVar:

NM_001136191.3(KANK2):c.85G>A (p.Asp29Asn)

Gene: KANK2 (KN motif and ankyrin repeat domains 2; minus strand). Cytogenetic location: 19p13.2.
Variant type: single nucleotide variant.
Coding change: c.85G>A on transcript NM_001136191.3 (MANE Select); coding-DNA position 85, G replaced by A.
Protein change: p.Asp29Asn; replaces aspartic acid 29 with asparagine.
Molecular consequence: missense variant.
Genome position (GRCh38, 1-based): chr19:11,193,995, C>T on the plus strand (G>A on the coding strand, the complement: KANK2 is on the minus strand). VCF-style: chr19-11193995-C-T. GRCh37 (hg19) VCF-style: chr19-11304671-C-T.
Other names: c.85G>A, p.Asp29Asn (NM_001329451.2, NM_001379548.1, NM_001379549.1 and 15 more transcripts); short protein forms D29N.
Identifiers: ClinVar variation 1900256 (VCV001900256.6), dbSNP rs1037728538, ClinGen allele CA305358910.
Genomic context (GRCh38, chr19:11,193,995, plus strand): 5'-ACTTGAGGAAGTCCAGGTCCAGGCGGTAGCCATAGGGGGTCTCCACGGAGTAGGGTGGAT[C>T]GGGGTCCTTGGCAGGGAAGGCAGGTGGGGAGGCTGGGCCAGGGGTCCCTGGGGATGGGAG-3'
Protein context (NP_001129663.1, residues 19-39): SPPAFPAKDP[Asp29Asn]PPYSVETPYG

ClinVar aggregate classification (germline): Uncertain significance. Review status: criteria provided, multiple submitters, no conflicts (2 of 4 stars). 2 submissions from 2 submitters: Uncertain significance (2). Last evaluated 2022-08-11.

gnomAD v4.1: 6 of 1,613,204 alleles (0.00037%); highest among the groups gnomAD compares: East Asian, 0.0045%; no homozygotes.

Submissions (2):

Ambry Genetics
Classification: Uncertain significance. Last evaluated: 2022-08-11. Review status: criteria provided, single submitter. Criteria: Ambry Variant Classification Scheme 2023. Collection method: clinical testing. Allele origin: germline.

Labcorp Genetics (formerly Invitae), Labcorp
Classification: Uncertain significance. Last evaluated: 2022-05-31. Review status: criteria provided, single submitter. Criteria: Invitae Variant Classification Sherloc (09022015). Collection method: clinical testing. Allele origin: germline.
Comment: In summary, the available evidence is currently insufficient to determine the role of this variant in disease. Therefore, it has been classified as a Variant of Uncertain Significance. Algorithms developed to predict the effect of missense changes on protein structure and function are either unavailable or do not agree on the potential impact of this missense change (SIFT: "Tolerated"; PolyPhen-2: "Possibly Damaging"; Align-GVGD: "Class C0"). This variant has not been reported in the literature in individuals affected with KANK2-related conditions. This variant is present in population databases (no rsID available, gnomAD 0.006%). This sequence change replaces aspartic acid, which is acidic and polar, with asparagine, which is neutral and polar, at codon 29 of the KANK2 protein (p.Asp29Asn).